The following is an entry in ClinVar:

NM_004415.4(DSP):c.4019G>A (p.Arg1340His)

Gene: DSP (desmoplakin; plus strand). Cytogenetic location: 6p24.3.
Variant type: single nucleotide variant.
Coding change: c.4019G>A on transcript NM_004415.4 (MANE Select); coding-DNA position 4019, G replaced by A.
Protein change: p.Arg1340His; replaces arginine 1340 with histidine.
Molecular consequence: missense variant. On other transcripts: intron variant (1).
Genome position (GRCh38, 1-based): chr6:7,580,209, G>A. VCF-style: chr6-7580209-G-A. GRCh37 (hg19) VCF-style: chr6-7580442-G-A.
Other names: c.4019G>A, p.Arg1340His (NM_001319034.2); c.3582+437G>A (NM_001008844.3); c.4019G>A (LRG_423t1, NM_004415.3); short protein forms R1340H.
Identifiers: ClinVar variation 569265 (VCV000569265.20), dbSNP rs765247380, ClinGen allele CA039857.

ClinVar aggregate classification (germline): Conflicting classifications of pathogenicity. Review status: criteria provided, conflicting classifications (1 of 4 stars). 6 submissions from 6 submitters: Uncertain significance (5); Likely benign (1). Last evaluated 2025-07-25.

Conditions:
Arrhythmogenic cardiomyopathy with wooly hair and keratoderma. Also called: Dilated cardiomyopathy with woolly hair and keratoderma; Arrhythmogenic cardiomyopathy with woolly hair and keratoderma; PALMOPLANTAR KERATODERMA WITH LEFT VENTRICULAR CARDIOMYOPATHY AND WOOLLY HAIR; Carvajal syndrome. Identifiers: Orphanet 65282, MedGen C1854063, MONDO:0011581, OMIM 605676.
Arrhythmogenic right ventricular dysplasia 8 (ARVD8). Also called: Arrhythmogenic Right Ventricular Dysplasia/Cardiomyopathy 8; ARRHYTHMOGENIC RIGHT VENTRICULAR DYSPLASIA, FAMILIAL, 8; ARRHYTHMOGENIC RIGHT VENTRICULAR CARDIOMYOPATHY 8. Identifiers: MedGen C1843896, MONDO:0011831, OMIM 607450.
DSP-related disorder. Also called: DSP-related condition; DSP-related disorders.
Cardiomyopathy (CMYO). Also called: Cardiomyopathies. Identifiers: Orphanet 167848, MedGen C0878544, MONDO:0004994, HP:0001638. Inheritance: Various modes of inheritance.

Allele frequency attached by ClinVar (database versions not stated): gnomAD exomes below 0.00001 and 0.00002; ExAC 0.00003; gnomAD 0.00003; TOPMed 0.00005.
gnomAD v4.1: 11 of 1,613,890 alleles (0.00068%); highest among the groups gnomAD compares: East Asian, 0.0022%; no homozygotes.

Submissions (6):

Color Diagnostics, LLC DBA Color Health
Classification: Uncertain significance for Cardiomyopathy. Last evaluated: 2025-07-25. Review status: criteria provided, single submitter. Criteria: ACMG Guidelines, 2015. Collection method: clinical testing. Allele origin: germline.
Comment: This missense variant replaces arginine with histidine at codon 1340 of the DSP protein. Computational prediction suggests that this variant may not impact protein structure and function. To our knowledge, functional studies have not been reported for this variant. This variant has been reported in an individual affected with cardiomyopathy (PMID: 30847666). This variant has been identified in 5/282030 chromosomes in the general population by the Genome Aggregation Database (gnomAD). The available evidence is insufficient to determine the role of this variant in disease conclusively. Therefore, this variant is classified as a Variant of Uncertain Significance.

PreventionGenetics, part of Exact Sciences
Classification: Uncertain significance for DSP-related condition. Last evaluated: 2025-04-29. Review status: criteria provided, single submitter. Criteria: ACMG Guidelines, 2015. Collection method: clinical testing. Allele origin: germline.
Comment: The DSP c.4019G>A variant is predicted to result in the amino acid substitution p.Arg1340His. This variant has been reported in an individual with unspecified cardiomyopathies from a cohort study on detection rate in cardiogenetic gene panels; this individual also harbored variants in other genes (Online Suppl File 2. van Lint et al. 2019. PubMed ID: 30847666). This variant is reported in 0.0065% of alleles in individuals of South Asian descent in gnomAD. At this time, the clinical significance of this variant is uncertain due to the absence of conclusive functional and genetic evidence.

ARUP Laboratories, Molecular Genetics and Genomics, ARUP Laboratories
Classification: Uncertain significance. Last evaluated: 2025-04-09. Review status: criteria provided, single submitter. Criteria: ARUP Molecular Germline Variant Investigation Process 2024. Collection method: clinical testing. Allele origin: germline.
Comment: The DSP c.4019G>A; p.Arg1340His variant (rs765247380), to our knowledge, is not reported in the medical literature but is reported in ClinVar (Variation ID: 569265). Another amino acid substitution at this codon, p.Arg1340Cys, has been reported in a family affected with eosinophilic esophagitis, but it did not segregate with disease (Shoda 2021). The p.Arg1340His variant is found in the general population with an overall allele frequency of 0.002% (5/282,030 alleles) in the Genome Aggregation Database (v2.1.1). Computational analyses are uncertain whether this variant is neutral or deleterious (REVEL: 0.3). Due to limited information, the clinical significance of this p.Arg1340His variant is uncertain at this time. References: Shoda T et al. Desmoplakin and periplakin genetically and functionally contribute to eosinophilic esophagitis. Nat Commun. 2021 Nov 23;12(1):6795. PMID: 34815391.

Labcorp Genetics (formerly Invitae), Labcorp
Classification: Likely benign for Arrhythmogenic cardiomyopathy with wooly hair and keratoderma; Arrhythmogenic right ventricular dysplasia 8. Last evaluated: 2025-02-06. Review status: criteria provided, single submitter. Criteria: Invitae Variant Classification Sherloc (09022015). Collection method: clinical testing. Allele origin: germline.

All of Us Research Program, National Institutes of Health
Classification: Uncertain significance for Arrhythmogenic cardiomyopathy with wooly hair and keratoderma. Last evaluated: 2024-02-05. Review status: criteria provided, single submitter. Criteria: ACMG Guidelines, 2015. Collection method: clinical testing. Allele origin: germline. Inheritance: Autosomal dominant inheritance. Observed: 6 variant alleles, 6 heterozygotes.
Comment: This missense variant replaces arginine with histidine at codon 1340 of the DSP protein. Computational prediction suggests that this variant may not impact protein structure and function (internally defined REVEL score threshold <= 0.5, PMID: 27666373). To our knowledge, functional studies have not been reported for this variant. This variant has been reported in an individual affected with cardiomyopathy (PMID: 30847666). This variant has been identified in 5/282030 chromosomes in the general population by the Genome Aggregation Database (gnomAD). The available evidence is insufficient to determine the role of this variant in disease conclusively. Therefore, this variant is classified as a Variant of Uncertain Significance.

This study involves interpretation of variants in research participants for the purpose of population health screening. Participant phenotype was not available at the time of variant classification. Additional details can be found in publication PMID: 35346344, PMCID: PMC8962531

GeneDx
Classification: Uncertain significance. Last evaluated: 2024-01-29. Review status: criteria provided, single submitter. Criteria: GeneDx Variant Classification Process June 2021. Collection method: clinical testing. Allele origin: germline. Affected: yes.
Comment: Has been reported in an individual with cardiomyopathy who also harbored variants in other genes (PMID: 30847666); Not observed at significant frequency in large population cohorts (gnomAD); In silico analysis supports that this missense variant does not alter protein structure/function; This variant is associated with the following publications: (PMID: 30847666)

Literature cited by the submitters: PubMed 30847666 (cited by Color Diagnostics, LLC DBA Color Health and All of Us Research Program, National Institutes of Health).